The following is an entry in ClinVar:

ClinVar aggregate classification (germline): Uncertain significance. Review status: criteria provided, multiple submitters, no conflicts (2 of 4 stars). 4 submissions from 4 submitters: Uncertain significance (4). Last evaluated 2026-05-22.

Conditions:
Inborn genetic diseases. Identifiers: MedGen C0950123, MeSH D030342.
Deficiency of hydroxymethylglutaryl-CoA lyase (HMGCLD). Also called: Defect in leucine metabolism; 3-hydroxy-3-methylglutaric aciduria; HMGCL DEFICIENCY; HYDROXYMETHYLGLUTARIC ACIDURIA; HMG-CoA LYASE DEFICIENCY. Identifiers: Orphanet 20, MedGen C1533587, MONDO:0009520, OMIM 246450.

Allele frequency attached by ClinVar (database versions not stated): gnomAD exomes 0.00001 and 0.00002; ExAC 0.00002; gnomAD 0.00002; TOPMed 0.00003.

Submissions (4):

Myriad Genetics, Inc.
Classification: Uncertain significance for Deficiency of hydroxymethylglutaryl-CoA lyase. Last evaluated: 2026-05-22. Review status: criteria provided, single submitter. Criteria: Myriad Autosomal Dominant, Autosomal Recessive and X-Linked Classification Criteria (2023). Collection method: clinical testing. Allele origin: unknown.
Comment: NM_000191.2(HMGCL):c.583A>G(M195V) is a missense variant classified as a variant of uncertain significance in the context of HMG-CoA lyase deficiency. M195V has not been observed in cases with relevant disease. Relevant functional assessments of this variant are not available in the literature. M195V has been observed in referenced population frequency databases. In summary, there is insufficient evidence to classify NM_000191.2(HMGCL):c.583A>G(M195V) as pathogenic or benign. Please note: this variant was assessed in the context of healthy population screening.

Genome-Nilou Lab
Classification: Uncertain significance for Deficiency of hydroxymethylglutaryl-CoA lyase. Last evaluated: 2023-04-11. Review status: criteria provided, single submitter. Criteria: ACMG Guidelines, 2015. Collection method: clinical testing. Allele origin: germline. Affected: no.

Ambry Genetics
Classification: Uncertain significance for Inborn genetic diseases. Last evaluated: 2022-12-06. Review status: criteria provided, single submitter. Criteria: Ambry Variant Classification Scheme 2023. Collection method: clinical testing. Allele origin: germline.

Labcorp Genetics (formerly Invitae), Labcorp
Classification: Uncertain significance for Deficiency of hydroxymethylglutaryl-CoA lyase. Last evaluated: 2022-07-06. Review status: criteria provided, single submitter. Criteria: Invitae Variant Classification Sherloc (09022015). Collection method: clinical testing. Allele origin: germline.
Comment: This sequence change replaces methionine, which is neutral and non-polar, with valine, which is neutral and non-polar, at codon 195 of the HMGCL protein (p.Met195Val). This variant is present in population databases (rs764360500, gnomAD 0.003%). This variant has not been reported in the literature in individuals affected with HMGCL-related conditions. ClinVar contains an entry for this variant (Variation ID: 1368115). Algorithms developed to predict the effect of missense changes on protein structure and function output the following: SIFT: "Tolerated"; PolyPhen-2: "Benign"; Align-GVGD: "Class C0". The valine amino acid residue is found in multiple mammalian species, which suggests that this missense change does not adversely affect protein function. In summary, the available evidence is currently insufficient to determine the role of this variant in disease. Therefore, it has been classified as a Variant of Uncertain Significance.

NM_000191.3(HMGCL):c.583A>G (p.Met195Val)

Gene: HMGCL (3-hydroxy-3-methylglutaryl-CoA lyase; minus strand). Cytogenetic location: 1p36.11.
Variant type: single nucleotide variant.
Coding change: c.583A>G on transcript NM_000191.3 (MANE Select); coding-DNA position 583, A replaced by G.
Protein change: p.Met195Val; replaces methionine 195 with valine.
Molecular consequence: missense variant.
Genome position (GRCh38, 1-based): chr1:23,808,302, T>C on the plus strand (A>G on the coding strand, the complement: HMGCL is on the minus strand). VCF-style: chr1-23808302-T-C. GRCh37 (hg19) VCF-style: chr1-24134792-T-C.
Other names: c.583A>G (NM_000191.2); c.370A>G, p.Met124Val (NM_001166059.2); short protein forms M195V, M124V.
Identifiers: ClinVar variation 1368115 (VCV001368115.5), dbSNP rs764360500, ClinGen allele CA686024.